The following is an entry in ClinVar:

NM_001195263.2(PDZD7):c.1022C>T (p.Ser341Phe)

Gene: PDZD7 (PDZ domain containing 7; minus strand). Cytogenetic location: 10q24.31.
Variant type: single nucleotide variant.
Coding change: c.1022C>T on transcript NM_001195263.2 (MANE Select); coding-DNA position 1022, C replaced by T.
Protein change: p.Ser341Phe; replaces serine 341 with phenylalanine.
Molecular consequence: missense variant.
Genome position (GRCh38, 1-based): chr10:101,019,124, G>A on the plus strand (C>T on the coding strand, the complement: PDZD7 is on the minus strand). VCF-style: chr10-101019124-G-A. GRCh37 (hg19) VCF-style: chr10-102778881-G-A.
Other names: c.1022C>T, p.Ser341Phe (NM_001351044.2, NM_024895.5); c.1022C>T (NM_001195263.1); short protein forms S341F.
Identifiers: ClinVar variation 1014405 (VCV001014405.9), dbSNP rs1386117902, ClinGen allele CA378228900.

ClinVar aggregate classification (germline): Uncertain significance. Review status: criteria provided, multiple submitters, no conflicts (2 of 4 stars). 3 submissions from 3 submitters: Uncertain significance (3). Last evaluated 2025-06-26.

Allele frequency attached by ClinVar (database versions not stated): gnomAD 0.00001; gnomAD exomes 0.00001; TOPMed 0.00002.
gnomAD v4.1: 4 of 1,548,884 alleles (0.00026%); highest among the groups gnomAD compares: African/African-American, 0.0054%; no homozygotes.

Submissions (3):

GeneDx
Classification: Uncertain significance. Last evaluated: 2025-06-26. Review status: criteria provided, single submitter. Criteria: GeneDx Variant Classification Process June 2021. Collection method: clinical testing. Allele origin: germline. Affected: yes.
Comment: In silico analysis suggests that this missense variant does not alter protein structure/function; Has not been previously published as pathogenic or benign to our knowledge

Labcorp Genetics (formerly Invitae), Labcorp
Classification: Uncertain significance. Last evaluated: 2022-11-29. Review status: criteria provided, single submitter. Criteria: Invitae Variant Classification Sherloc (09022015). Collection method: clinical testing. Allele origin: germline.
Comment: In summary, the available evidence is currently insufficient to determine the role of this variant in disease. Therefore, it has been classified as a Variant of Uncertain Significance. Advanced modeling of protein sequence and biophysical properties (such as structural, functional, and spatial information, amino acid conservation, physicochemical variation, residue mobility, and thermodynamic stability) performed at Invitae indicates that this missense variant is not expected to disrupt PDZD7 protein function. ClinVar contains an entry for this variant (Variation ID: 1014405). This variant has not been reported in the literature in individuals affected with PDZD7-related conditions. The frequency data for this variant in the population databases is considered unreliable, as metrics indicate poor data quality at this position in the gnomAD database. This sequence change replaces serine, which is neutral and polar, with phenylalanine, which is neutral and non-polar, at codon 341 of the PDZD7 protein (p.Ser341Phe).

Blueprint Genetics
Classification: Uncertain significance. Last evaluated: 2022-09-01. Review status: criteria provided, single submitter. Criteria: ACMG Guidelines, 2015. Collection method: clinical testing. Allele origin: germline.